The following is an entry in ClinVar:

ClinVar aggregate classification (germline): Likely pathogenic (1 of 4 stars; one submission).

Submission:

CeGaT Center for Human Genetics Tuebingen
Classification: Likely pathogenic. Last evaluated: 2026-04-01. Review status: criteria provided, single submitter. Criteria: CeGaT Center For Human Genetics Tuebingen Variant Classification Criteria Version 2. Collection method: clinical testing. Allele origin: germline. Affected: yes. Observed: 2 variant alleles.
Comment: TAF1: PM1, PM2, PM6:Supporting, PP2

NM_004606.5(TAF1):c.2864C>T (p.Ala955Val)

Gene: TAF1 (TATA-box binding protein associated factor 1; plus strand). Cytogenetic location: Xq13.1.
Variant type: single nucleotide variant.
Coding change: c.2864C>T on transcript NM_004606.5 (MANE Select); coding-DNA position 2864, C replaced by T.
Protein change: p.Ala955Val; replaces alanine 955 with valine.
Molecular consequence: missense variant. On other transcripts: non-coding transcript variant (9).
Genome position (GRCh38, 1-based): chrX:71,392,651, C>T. VCF-style: chrX-71392651-C-T. GRCh37 (hg19) VCF-style: chrX-70612501-C-T.
Other names: c.2864C>T, p.Ala955Val (NM_001286074.2, NM_001440852.1, NM_001440853.1); c.2801C>T, p.Ala934Val (NM_001440854.1, NM_138923.4); short protein forms A934V, A955V.
Identifiers: ClinVar variation 4281511 (VCV004281511.7).